The following is an entry in ClinVar:

ClinVar aggregate classification (germline): Uncertain significance (1 of 4 stars; one submission).

Conditions:
Ataxia-telangiectasia syndrome (AT). Also called: Cerebello-oculocutaneous telangiectasia; Immunodeficiency with ataxia telangiectasia; Ataxia-telangiectasia; AT, COMPLEMENTATION GROUP C; Ataxia telangiectasia (A-T); LOUIS-BAR SYNDROME. Identifiers: Orphanet 100, MedGen C0004135, MONDO:0008840, OMIM 208900.

Submission:

Labcorp Genetics (formerly Invitae), Labcorp
Classification: Uncertain significance for Ataxia-telangiectasia syndrome. Last evaluated: 2022-03-05. Review status: criteria provided, single submitter. Criteria: Invitae Variant Classification Sherloc (09022015). Collection method: clinical testing. Allele origin: germline.
Comment: This variant results in a copy number gain of the genomic region encompassing exon(s) 44 of the ATM gene. While the exact position of this variant cannot be determined from the data, sub-genic copy number gains are generally in tandem (PMID: 25640679). This variant is predicted to be in-frame, and likely preserves the integrity of the reading frame. In summary, the available evidence is currently insufficient to determine the role of this variant in disease. Therefore, it has been classified as a Variant of Uncertain Significance. Experimental studies and prediction algorithms are not available or were not evaluated, and the functional significance of this variant is currently unknown. This variant has not been reported in the literature in individuals affected with ATM-related conditions.

Literature cited by the submitters: PubMed 25640679.

NC_000011.9:g.(?_108190671)_(108190795_?)dup

Gene: ATM (ATM serine/threonine kinase; plus strand). Cytogenetic location: 11q22.3.
Variant type: Duplication.
Identifiers: ClinVar variation 2422222 (VCV002422222.4).